The following is an entry in ClinVar:

ClinVar aggregate classification (germline): Uncertain significance. Review status: criteria provided, multiple submitters, no conflicts (2 of 4 stars). 3 submissions from 3 submitters: Uncertain significance (3). Last evaluated 2025-09-30.

Conditions:
GLUT1 deficiency syndrome 1, autosomal recessive. Identifiers: MedGen C3149117.
Epilepsy, idiopathic generalized, susceptibility to, 12 (EIG12). Identifiers: MedGen C3553859, MONDO:0013919, OMIM 614847.

Allele frequency attached by ClinVar (database versions not stated): gnomAD 0.00001; gnomAD exomes 0.00001.
gnomAD v4.1: 5 of 1,614,036 alleles (0.00031%); highest among the groups gnomAD compares: South Asian, 0.0022%; no homozygotes.

Submissions (3):

Labcorp Genetics (formerly Invitae), Labcorp
Classification: Uncertain significance for GLUT1 deficiency syndrome 1, autosomal recessive. Last evaluated: 2025-09-30. Review status: criteria provided, single submitter. Criteria: Invitae Variant Classification Sherloc (09022015). Collection method: clinical testing. Allele origin: germline.
Comment: This sequence change replaces arginine, which is basic and polar, with glutamine, which is neutral and polar, at codon 468 of the SLC2A1 protein (p.Arg468Gln). This variant is present in population databases (no rsID available, gnomAD 0.003%). This variant has not been reported in the literature in individuals affected with SLC2A1-related conditions. ClinVar contains an entry for this variant (Variation ID: 1707507). Invitae Evidence Modeling of protein sequence and biophysical properties (such as structural, functional, and spatial information, amino acid conservation, physicochemical variation, residue mobility, and thermodynamic stability) has been performed for this missense variant. However, the output from this modeling did not meet the statistical confidence thresholds required to predict the impact of this variant on SLC2A1 protein function. This variant disrupts the p.Arg468 amino acid residue in SLC2A1. Other variant(s) that disrupt this residue have been determined to be pathogenic (PMID: 20221955, 20687207; internal data). This suggests that this residue is clinically significant, and that variants that disrupt this residue are likely to be disease-causing. In summary, the available evidence is currently insufficient to determine the role of this variant in disease. Therefore, it has been classified as a Variant of Uncertain Significance.

GeneDx
Classification: Uncertain significance. Last evaluated: 2024-02-21. Review status: criteria provided, single submitter. Criteria: GeneDx Variant Classification Process June 2021. Collection method: clinical testing. Allele origin: germline. Affected: yes.
Comment: Not observed at significant frequency in large population cohorts (gnomAD); In silico analysis supports that this missense variant does not alter protein structure/function; Has not been previously published as pathogenic or benign to our knowledge

Institute of Human Genetics, University of Leipzig Medical Center
Classification: Uncertain significance for Epilepsy, idiopathic generalized, susceptibility to, 12. Last evaluated: 2022-07-18. Review status: criteria provided, single submitter. Criteria: ACMG Guidelines, 2015. Collection method: clinical testing. Allele origin: unknown. Inheritance: Autosomal dominant inheritance. Affected: yes.
Comment: Criteria applied: PM5,PM2_SUP

Literature cited by the submitters: PubMed 20221955 (cited by Labcorp Genetics (formerly Invitae), Labcorp); PubMed 20687207 (cited by Labcorp Genetics (formerly Invitae), Labcorp).

NM_006516.4(SLC2A1):c.1403G>A (p.Arg468Gln)

Gene: SLC2A1 (solute carrier family 2 member 1; minus strand). Cytogenetic location: 1p34.2.
Variant type: single nucleotide variant.
Coding change: c.1403G>A on transcript NM_006516.4 (MANE Select); coding-DNA position 1403, G replaced by A.
Protein change: p.Arg468Gln; replaces arginine 468 with glutamine.
Molecular consequence: missense variant.
Genome position (GRCh38, 1-based): chr1:42,927,117, C>T on the plus strand (G>A on the coding strand, the complement: SLC2A1 is on the minus strand). VCF-style: chr1-42927117-C-T. GRCh37 (hg19) VCF-style: chr1-43392788-C-T.
Other names: c.1403G>A (NM_006516.2); short protein forms R468Q.
Identifiers: ClinVar variation 1707507 (VCV001707507.5), dbSNP rs13306754, ClinGen allele CA339952848.